The following is an entry in ClinVar:

NM_014014.5(SNRNP200):c.2539C>G (p.Leu847Val)

Gene: SNRNP200 (small nuclear ribonucleoprotein U5 subunit 200; minus strand). Cytogenetic location: 2q11.2.
Variant type: single nucleotide variant.
Coding change: c.2539C>G on transcript NM_014014.5 (MANE Select); coding-DNA position 2539, C replaced by G.
Protein change: p.Leu847Val; replaces leucine 847 with valine.
Molecular consequence: missense variant.
Genome position (GRCh38, 1-based): chr2:96,290,698, G>C on the plus strand (C>G on the coding strand, the complement: SNRNP200 is on the minus strand). VCF-style: chr2-96290698-G-C. GRCh37 (hg19) VCF-style: chr2-96956436-G-C.
Other names: short protein forms L847V.
Identifiers: ClinVar variation 939113 (VCV000939113.9), dbSNP rs1017651316, ClinGen allele CA52398475.
Genomic context (GRCh38, chr2:96,290,698, plus strand): 5'-CAAGGATACTGATCCCTGCTGAGAATAAACTCAAAAGGCTCTGTACCTGCAGAATGTCCA[G>C]TGCTCCCAGTTCTGTCCAACGCCCCTTCTCTGGACTGTACACCTGGGTGCCTTTGATGAT-3'
Protein context (NP_054733.2, residues 837-857): EKGRWTELGA[Leu847Val]DILQMLGRAG

ClinVar aggregate classification (germline): Uncertain significance. Review status: criteria provided, multiple submitters, no conflicts (2 of 4 stars). 3 submissions from 3 submitters: Uncertain significance (3). Last evaluated 2025-11-28.

Conditions:
SNRNP200-related disorder. Also called: SNRNP200-related condition.

Allele frequency attached by ClinVar (database versions not stated): TOPMed below 0.00001; gnomAD exomes 0.00001.
gnomAD v4.1: 11 of 1,614,210 alleles (0.00068%); highest among the groups gnomAD compares: Non-Finnish European, 0.00085%; no homozygotes.

Submissions (3):

Labcorp Genetics (formerly Invitae), Labcorp
Classification: Uncertain significance. Last evaluated: 2025-11-28. Review status: criteria provided, single submitter. Criteria: Invitae Variant Classification Sherloc (09022015). Collection method: clinical testing. Allele origin: germline.
Comment: This sequence change replaces leucine, which is neutral and non-polar, with valine, which is neutral and non-polar, at codon 847 of the SNRNP200 protein (p.Leu847Val). This variant is not present in population databases (gnomAD no frequency). This variant has not been reported in the literature in individuals affected with SNRNP200-related conditions. ClinVar contains an entry for this variant (Variation ID: 939113). Invitae Evidence Modeling of protein sequence and biophysical properties (such as structural, functional, and spatial information, amino acid conservation, physicochemical variation, residue mobility, and thermodynamic stability) has been performed for this missense variant. However, the output from this modeling did not meet the statistical confidence thresholds required to predict the impact of this variant on SNRNP200 protein function. In summary, the available evidence is currently insufficient to determine the role of this variant in disease. Therefore, it has been classified as a Variant of Uncertain Significance.

PreventionGenetics, part of Exact Sciences
Classification: Uncertain significance for SNRNP200-related condition. Last evaluated: 2025-11-24. Review status: criteria provided, single submitter. Criteria: ACMG Guidelines, 2015. Collection method: clinical testing. Allele origin: germline.
Comment: The SNRNP200 c.2539C>G variant is predicted to result in the amino acid substitution p.Leu847Val. To our knowledge, this variant has not been reported in the literature or in a large population database (gnomAD), indicating this variant is rare. At this time, the clinical significance of this variant is uncertain due to the absence of conclusive functional and genetic evidence.

Blueprint Genetics
Classification: Uncertain significance. Last evaluated: 2019-10-30. Review status: criteria provided, single submitter. Criteria: ACMG Guidelines, 2015. Collection method: clinical testing. Allele origin: germline.